The following is an entry in ClinVar:

NM_004656.4(BAP1):c.1209T>G (p.Asp403Glu)

Gene: BAP1 (BRCA1 associated deubiquitinase 1; minus strand). Cytogenetic location: 3p21.1.
Variant type: single nucleotide variant.
Coding change: c.1209T>G on transcript NM_004656.4 (MANE Select); coding-DNA position 1209, T replaced by G.
Protein change: p.Asp403Glu; replaces aspartic acid 403 with glutamic acid.
Molecular consequence: missense variant.
Genome position (GRCh38, 1-based): chr3:52,404,494, A>C on the plus strand (T>G on the coding strand, the complement: BAP1 is on the minus strand). VCF-style: chr3-52404494-A-C. GRCh37 (hg19) VCF-style: chr3-52438510-A-C.
Other names: c.1155T>G, p.Asp385Glu (NM_001410772.1); short protein forms D385E, D403E.
Identifiers: ClinVar variation 1749679 (VCV001749679.3), dbSNP rs1578222167, ClinGen allele CA353102944.
Genomic context (GRCh38, chr3:52,404,494, plus strand): 5'-CTTAGAAAGCTGGGCTGACCTAAGGGCAGAGTTGGTGTTCTGCACGTCATCCTCCTCGTC[A>C]TCCTCATAGTCATCCTCATCATCTGAGTACTGCTGGGGTGGGCGGACTGGAACTCGGCTG-3'
Protein context (NP_004647.1, residues 393-413): QYSDDEDDYE[Asp403Glu]DEEDDVQNTN

ClinVar aggregate classification (germline): Uncertain significance (1 of 4 stars; one submission).

Conditions:
Hereditary cancer-predisposing syndrome. Also called: Hereditary Cancer Syndrome; Hereditary neoplastic syndrome; Neoplastic Syndromes, Hereditary; Tumor predisposition. Identifiers: Orphanet 140162, MedGen C0027672, MeSH D009386, MONDO:0015356.

Allele frequency attached by ClinVar (database versions not stated): gnomAD exomes below 0.00001.

Submission:

Ambry Genetics
Classification: Uncertain significance for Hereditary cancer-predisposing syndrome. Last evaluated: 2022-04-19. Review status: criteria provided, single submitter. Criteria: Ambry Variant Classification Scheme 2023. Collection method: clinical testing. Allele origin: germline.
Comment: The p.D403E variant (also known as c.1209T>G), located in coding exon 12 of the BAP1 gene, results from a T to G substitution at nucleotide position 1209. The aspartic acid at codon 403 is replaced by glutamic acid, an amino acid with highly similar properties. This amino acid position is conserved. In addition, this alteration is predicted to be tolerated by in silico analysis. Since supporting evidence is limited at this time, the clinical significance of this alteration remains unclear.